The following is an entry in ClinVar:

ClinVar aggregate classification (germline): Uncertain significance (1 of 4 stars; one submission).

gnomAD v4.1: 1 of 1,614,162 alleles (0.000062%); highest among the groups gnomAD compares: African/African-American, 0.0013%; no homozygotes.

Submission:

GeneDx
Classification: Uncertain significance. Last evaluated: 2025-10-29. Review status: criteria provided, single submitter. Criteria: GeneDx Variant Classification Process June 2021. Collection method: clinical testing. Allele origin: germline. Affected: yes.
Comment: Not observed at significant frequency in large population cohorts (gnomAD); In silico analysis suggests that this missense variant does not alter protein structure/function; Has not been previously published as pathogenic or benign to our knowledge

NM_014991.6(WDFY3):c.3760G>A (p.Ala1254Thr)

Gene: WDFY3 (WD repeat and FYVE domain containing 3; minus strand). Cytogenetic location: 4q21.23.
Variant type: single nucleotide variant.
Coding change: c.3760G>A on transcript NM_014991.6 (MANE Select); coding-DNA position 3760, G replaced by A.
Protein change: p.Ala1254Thr; replaces alanine 1254 with threonine.
Molecular consequence: missense variant.
Genome position (GRCh38, 1-based): chr4:84,787,623, C>T on the plus strand (G>A on the coding strand, the complement: WDFY3 is on the minus strand). VCF-style: chr4-84787623-C-T. GRCh37 (hg19) VCF-style: chr4-85708776-C-T.
Other names: short protein forms A1254T.
Identifiers: ClinVar variation 1314571 (VCV001314571.3), dbSNP rs2149524951, ClinGen allele CA357556170.